The following is an entry in ClinVar:

NM_005559.4(LAMA1):c.2058G>T (p.Glu686Asp)

Gene: LAMA1 (laminin subunit alpha 1; minus strand). Cytogenetic location: 18p11.31.
Variant type: single nucleotide variant.
Coding change: c.2058G>T on transcript NM_005559.4 (MANE Select); coding-DNA position 2058, G replaced by T.
Protein change: p.Glu686Asp; replaces glutamic acid 686 with aspartic acid.
Molecular consequence: missense variant.
Genome position (GRCh38, 1-based): chr18:7,033,089, C>A on the plus strand (G>T on the coding strand, the complement: LAMA1 is on the minus strand). VCF-style: chr18-7033089-C-A. GRCh37 (hg19) VCF-style: chr18-7033088-C-A.
Other names: short protein forms E686D.
Identifiers: ClinVar variation 1705211 (VCV001705211.2), dbSNP rs1284687581, ClinGen allele CA401829328.

ClinVar aggregate classification (germline): Uncertain significance. Review status: criteria provided, multiple submitters, no conflicts (2 of 4 stars). 2 submissions from 2 submitters: Uncertain significance (2). Last evaluated 2024-09-09.

Allele frequency attached by ClinVar (database versions not stated): gnomAD 0.00001; TOPMed 0.00001.
gnomAD v4.1: 13 of 1,605,822 alleles (0.00081%); highest among the groups gnomAD compares: Non-Finnish European, 0.001%; no homozygotes.

Submissions (2):

Blueprint Genetics
Classification: Uncertain significance. Last evaluated: 2024-09-09. Review status: criteria provided, single submitter. Criteria: ACMG Guidelines, 2015. Collection method: clinical testing. Allele origin: germline.

Women's Health and Genetics/Laboratory Corporation of America, LabCorp
Classification: Uncertain significance. Last evaluated: 2022-08-26. Review status: criteria provided, single submitter. Criteria: LabCorp Variant Classification Summary - May 2015. Collection method: clinical testing. Allele origin: germline.
Comment: Variant summary: LAMA1 c.2058G>T (p.Glu686Asp) results in a conservative amino acid change located in the Laminin IV IPR000034 of the encoded protein sequence. Four of four in-silico tools predict a benign effect of the variant on protein function. The variant allele was found at a frequency of 4.1e-06 in 242360 control chromosomes. The available data on variant occurrences in the general population are insufficient to allow any conclusion about variant significance. To our knowledge, no occurrence of c.2058G>T in individuals affected with Ataxia-Intellectual Disability-Oculomotor Apraxia-Cerebellar Cysts Syndrome and no experimental evidence demonstrating its impact on protein function have been reported. No clinical diagnostic laboratories have submitted clinical-significance assessments for this variant to ClinVar after 2014. Based on the evidence outlined above, the variant was classified as uncertain significance.